The following is an entry in ClinVar:

ClinVar aggregate classification (germline): Uncertain significance (0 of 4 stars; one submission).

Conditions:
IL11RA-related disorder. Also called: IL11RA-related condition.

gnomAD v4.1: 56 of 1,614,052 alleles (0.0035%); highest among the groups gnomAD compares: Non-Finnish European, 0.0041%; no homozygotes.

Submission:

PreventionGenetics, part of Exact Sciences
Classification: Uncertain significance for IL11RA-related condition. Last evaluated: 2024-08-14. Review status: no assertion criteria provided. Collection method: clinical testing. Allele origin: germline.
Comment: The IL11RA c.887G>A variant is predicted to result in the amino acid substitution p.Arg296Gln. To our knowledge, this variant has not been reported in the literature. This variant is reported in 0.0035% of alleles in individuals of European (Non-Finnish) descent in gnomAD. A different missense variant affecting this amino acid has been reported in the homozygous state in a family with IL11RA-related disease; functional characterization supported its pathogenicity (Nieminen et al. 2011. PubMed ID: 21741611). Although we suspect that the c.887G>A (p.Arg296Gln) variant may be pathogenic, at this time, the clinical significance of this variant is uncertain due to the absence of conclusive functional and genetic evidence.

NM_001142784.3(IL11RA):c.887G>A (p.Arg296Gln)

Gene: IL11RA (interleukin 11 receptor subunit alpha; plus strand). Cytogenetic location: 9p13.3.
Variant type: single nucleotide variant.
Coding change: c.887G>A on transcript NM_001142784.3 (MANE Select); coding-DNA position 887, G replaced by A.
Protein change: p.Arg296Gln; replaces arginine 296 with glutamine.
Molecular consequence: missense variant. On other transcripts: non-coding transcript variant (1).
Genome position (GRCh38, 1-based): chr9:34,659,835, G>A. VCF-style: chr9-34659835-G-A. GRCh37 (hg19) VCF-style: chr9-34659832-G-A.
Other names: short protein forms R296Q.
Identifiers: ClinVar variation 3357255 (VCV003357255.1).
Genomic context (GRCh38, chr9:34,659,835, plus strand): 5'-TGGAGGAGGTGATCACAGATGCTGTGGCTGGGCTGCCCCATGCTGTACGAGTCAGTGCCC[G>A]GGACTTTCTAGATGCTGGCACCTGGAGCACCTGGAGCCCGGAGGCCTGGGGAACTCCGAG-3'
Protein context (NP_001136256.1, residues 286-306): GLPHAVRVSA[Arg296Gln]DFLDAGTWST